The following is an entry in ClinVar:

ClinVar aggregate classification (germline): Uncertain significance (1 of 4 stars; one submission).

Allele frequency attached by ClinVar (database versions not stated): gnomAD exomes below 0.00001; TOPMed below 0.00001; ExAC 0.00001.
gnomAD v4.1: 1 of 1,614,142 alleles (0.000062%); highest among the groups gnomAD compares: Admixed American, 0.0017%; no homozygotes.

Submission:

Labcorp Genetics (formerly Invitae), Labcorp
Classification: Uncertain significance. Last evaluated: 2024-03-17. Review status: criteria provided, single submitter. Criteria: Invitae Variant Classification Sherloc (09022015). Collection method: clinical testing. Allele origin: germline.
Comment: This sequence change replaces valine, which is neutral and non-polar, with alanine, which is neutral and non-polar, at codon 286 of the SIN3A protein (p.Val286Ala). This variant is present in population databases (rs769010528, gnomAD 0.003%). This variant has not been reported in the literature in individuals affected with SIN3A-related conditions. ClinVar contains an entry for this variant (Variation ID: 2015280). Advanced modeling of protein sequence and biophysical properties (such as structural, functional, and spatial information, amino acid conservation, physicochemical variation, residue mobility, and thermodynamic stability) performed at Invitae indicates that this missense variant is not expected to disrupt SIN3A protein function with a negative predictive value of 80%. In summary, the available evidence is currently insufficient to determine the role of this variant in disease. Therefore, it has been classified as a Variant of Uncertain Significance.

NM_001145358.2(SIN3A):c.857T>C (p.Val286Ala)

Gene: SIN3A (SIN3 transcription regulator family member A; minus strand). Cytogenetic location: 15q24.2.
Variant type: single nucleotide variant.
Coding change: c.857T>C on transcript NM_001145358.2 (MANE Select); coding-DNA position 857, T replaced by C.
Protein change: p.Val286Ala; replaces valine 286 with alanine.
Molecular consequence: missense variant.
Genome position (GRCh38, 1-based): chr15:75,411,643, A>G on the plus strand (T>C on the coding strand, the complement: SIN3A is on the minus strand). VCF-style: chr15-75411643-A-G. GRCh37 (hg19) VCF-style: chr15-75703984-A-G.
Other names: c.857T>C, p.Val286Ala (NM_001145357.2, NM_015477.3); short protein forms V286A.
Identifiers: ClinVar variation 2015280 (VCV002015280.4), dbSNP rs769010528, ClinGen allele CA7667796.